The following is an entry in ClinVar:

NM_000421.5(KRT10):c.1156-4T>G

Genes: KRT10 (keratin 10; minus strand), KRT10-AS1 (KRT10 antisense RNA 1; plus strand), LOC126862559 (BRD4-independent group 4 enhancer GRCh37_chr17:38975907-38977106; plus strand). Cytogenetic location: 17q21.2.
Variant type: single nucleotide variant.
Coding change: c.1156-4T>G on transcript NM_000421.5 (MANE Select); 4 bases into the intron before coding-DNA position 1156, T replaced by G.
Molecular consequence: intron variant.
Genome position (GRCh38, 1-based): chr17:40,819,738, A>C on the plus strand (T>G on the coding strand, the complement: KRT10 is on the minus strand). VCF-style: chr17-40819738-A-C. GRCh37 (hg19) VCF-style: chr17-38975990-A-C.
Other names: c.1156-4T>G (NM_001379366.1).
Identifiers: ClinVar variation 3040521 (VCV003040521.2), dbSNP rs530944445, ClinGen allele CA8548109.

ClinVar aggregate classification (germline): Likely benign (0 of 4 stars; one submission).

Conditions:
KRT10-related disorder. Also called: KRT10-related condition.

Allele frequency attached by ClinVar (database versions not stated): TOPMed 0.00001; gnomAD 0.00006; gnomAD exomes 0.00009; ExAC 0.00022; 1000 Genomes Project 30x 0.00047; 1000 Genomes Project 0.00060.
gnomAD v4.1: 133 of 1,613,946 alleles (0.0082%); highest among the groups gnomAD compares: South Asian, 0.14%; 2 homozygotes.

Submission:

PreventionGenetics, part of Exact Sciences
Classification: Likely benign for KRT10-related condition. Last evaluated: 2023-08-01. Review status: no assertion criteria provided. Collection method: clinical testing. Allele origin: germline.
Comment: This variant is classified as likely benign based on ACMG/AMP sequence variant interpretation guidelines (Richards et al. 2015 PMID: 25741868, with internal and published modifications).